The following is an entry in ClinVar:

NM_000018.4(ACADVL):c.277+6G>A

Gene: ACADVL (acyl-CoA dehydrogenase very long chain; plus strand). Cytogenetic location: 17p13.1.
Variant type: single nucleotide variant.
Coding change: c.277+6G>A on transcript NM_000018.4 (MANE Select); 6 bases into the intron after coding-DNA position 277, G replaced by A.
Molecular consequence: intron variant.
Genome position (GRCh38, 1-based): chr17:7,220,682, G>A. VCF-style: chr17-7220682-G-A. GRCh37 (hg19) VCF-style: chr17-7124001-G-A.
Other names: c.346+6G>A (NM_001270447.2); c.49+6G>A (NM_001270448.2); c.211+6G>A (NM_001033859.3).
Identifiers: ClinVar variation 254699 (VCV000254699.4), dbSNP rs776422793, ClinGen allele CA10587277.

ClinVar aggregate classification (germline): Uncertain significance. Review status: reviewed by expert panel (3 of 4 stars). 4 submissions from 4 submitters: Uncertain significance (1). 3 of the submissions do not count toward it. Last evaluated 2025-09-04.

Conditions:
Very long chain acyl-CoA dehydrogenase deficiency (ACADVLD). Also called: VLCAD Deficiency; Very Long-Chain Acyl-Coenzyme A Dehydrogenase Deficiency. Identifiers: Orphanet 26793, MedGen C3887523, MONDO:0008723, OMIM 201475.

gnomAD v4.1: 1 of 1,614,244 alleles (0.000062%); highest among the groups gnomAD compares: Non-Finnish European, 0.000085%; no homozygotes.

Submissions (4):

ClinGen ACADVL Variant Curation Expert Panel, ClinGen
Classification: Uncertain significance for Very long chain acyl-CoA dehydrogenase deficiency. Last evaluated: 2025-09-04. Review status: reviewed by expert panel. Criteria: ClinGen ACADVL ACMG Specifications ACADVL V2.1. Collection method: curation. Allele origin: germline. Inheritance: Autosomal recessive inheritance.
Comment: The NM_000018.4(ACADVL):c.277+6G>A variant in ACADVL is an intronic variant which occurs in intron 4 within splicing region and is not predicted by SpliceAI to impact splicing (SpliceAI = 0.00, BP4). To our knowledge, this variant has not been reported in the literature in any individuals with very long chain acyl CoA dehydrogenase (VLCAD) deficiency. The highest population minor allele frequency in gnomAD v4.1 is 0.0000006 in the general population which is lower than the ClinGen ACADVL Variant Curation Expert Panel threshold (<0.001, PM2_Supporting). In summary, this variant meets the criteria to be classified as a variant of uncertain significance for autosomal recessive VLCAD deficiency based on the ACMG/AMP criteria applied, as specified by the ClinGen ACADVL Variant Curation Expert Panel: BP4, PM2_Supporting (ACADVL VCEP specifications version 2.1.0; approved September 4, 2025).

Labcorp Genetics (formerly Invitae), Labcorp
Classification: Uncertain significance for Very long chain acyl-CoA dehydrogenase deficiency. Last evaluated: 2025-06-30. Review status: criteria provided, single submitter. Criteria: Invitae Variant Classification Sherloc (09022015). Collection method: clinical testing. Allele origin: germline. Not counted in ClinVar's aggregate classification.
Comment: This sequence change falls in intron 4 of the ACADVL gene. It does not directly change the encoded amino acid sequence of the ACADVL protein. It affects a nucleotide within the consensus splice site. This variant is not present in population databases (gnomAD no frequency). This variant has not been reported in the literature in individuals affected with ACADVL-related conditions. ClinVar contains an entry for this variant (Variation ID: 254699). Variants that disrupt the consensus splice site are a relatively common cause of aberrant splicing (PMID: 17576681, 9536098). Algorithms developed to predict the effect of sequence changes on RNA splicing suggest that this variant is not likely to affect RNA splicing. In summary, the available evidence is currently insufficient to determine the role of this variant in disease. Therefore, it has been classified as a Variant of Uncertain Significance.

GeneDx
Classification: Likely benign. Last evaluated: 2017-03-17. Review status: criteria provided, single submitter. Criteria: GeneDx Variant Classification (06012015). Collection method: clinical testing. Allele origin: germline. Affected: yes. Not counted in ClinVar's aggregate classification.
Comment: This variant is considered likely benign or benign based on one or more of the following criteria: it is a conservative change, it occurs at a poorly conserved position in the protein, it is predicted to be benign by multiple in silico algorithms, and/or has population frequency not consistent with disease.

PreventionGenetics, part of Exact Sciences
Classification: Likely benign. Review status: criteria provided, single submitter. Criteria: ACMG Guidelines, 2015. Collection method: clinical testing. Allele origin: germline. Not counted in ClinVar's aggregate classification.

Literature cited by the submitters: PubMed 17576681 (cited by Labcorp Genetics (formerly Invitae), Labcorp); PubMed 9536098 (cited by Labcorp Genetics (formerly Invitae), Labcorp).